The following is an entry in ClinVar:

ClinVar aggregate classification (germline): Uncertain significance. Review status: criteria provided, multiple submitters, no conflicts (2 of 4 stars). 2 submissions from 2 submitters: Uncertain significance (2). Last evaluated 2024-12-12.

Conditions:
Epileptic encephalopathy. Identifiers: MedGen C0543888, HP:0200134.

Allele frequency attached by ClinVar (database versions not stated): gnomAD exomes 0.00001 and 0.00004; TOPMed 0.00003; gnomAD 0.00005 and 0.00006; ExAC 0.00006.
gnomAD v4.1: 30 of 1,613,808 alleles (0.0019%); highest among the groups gnomAD compares: Admixed American, 0.012%; no homozygotes.

Submissions (2):

Ambry Genetics
Classification: Uncertain significance. Last evaluated: 2024-12-12. Review status: criteria provided, single submitter. Criteria: Ambry Variant Classification Scheme 2023. Collection method: clinical testing. Allele origin: germline.

Labcorp Genetics (formerly Invitae), Labcorp
Classification: Uncertain significance for Epileptic encephalopathy. Last evaluated: 2022-07-19. Review status: criteria provided, single submitter. Criteria: Invitae Variant Classification Sherloc (09022015). Collection method: clinical testing. Allele origin: germline.
Comment: In summary, the available evidence is currently insufficient to determine the role of this variant in disease. Therefore, it has been classified as a Variant of Uncertain Significance. Algorithms developed to predict the effect of missense changes on protein structure and function are either unavailable or do not agree on the potential impact of this missense change (SIFT: "Deleterious"; PolyPhen-2: "Benign"; Align-GVGD: "Class C0"). ClinVar contains an entry for this variant (Variation ID: 971973). This variant has not been reported in the literature in individuals affected with RYR3-related conditions. This variant is present in population databases (rs764000824, gnomAD 0.006%). This sequence change replaces isoleucine, which is neutral and non-polar, with threonine, which is neutral and polar, at codon 4206 of the RYR3 protein (p.Ile4206Thr).

NM_001036.6(RYR3):c.12617T>C (p.Ile4206Thr)

Gene: RYR3 (ryanodine receptor 3; plus strand). Cytogenetic location: 15q14.
Variant type: single nucleotide variant.
Coding change: c.12617T>C on transcript NM_001036.6 (MANE Select); coding-DNA position 12617, T replaced by C.
Protein change: p.Ile4206Thr; replaces isoleucine 4206 with threonine.
Molecular consequence: missense variant.
Genome position (GRCh38, 1-based): chr15:33,838,597, T>C. VCF-style: chr15-33838597-T-C. GRCh37 (hg19) VCF-style: chr15-34130798-T-C.
Other names: c.12602T>C, p.Ile4201Thr (NM_001243996.4); c.12617T>C (NM_001036.3); short protein forms I4201T, I4206T.
Identifiers: ClinVar variation 971973 (VCV000971973.11), dbSNP rs764000824, ClinGen allele CA7461442.